The following is an entry in ClinVar:

NM_004082.5(DCTN1):c.2427T>G (p.Asp809Glu)

Gene: DCTN1 (dynactin subunit 1; minus strand). Cytogenetic location: 2p13.1.
Variant type: single nucleotide variant.
Coding change: c.2427T>G on transcript NM_004082.5 (MANE Select); coding-DNA position 2427, T replaced by G.
Protein change: p.Asp809Glu; replaces aspartic acid 809 with glutamic acid.
Molecular consequence: missense variant. On other transcripts: non-coding transcript variant (1).
Genome position (GRCh38, 1-based): chr2:74,366,822, A>C on the plus strand (T>G on the coding strand, the complement: DCTN1 is on the minus strand). VCF-style: chr2-74366822-A-C. GRCh37 (hg19) VCF-style: chr2-74593949-A-C.
Other names: c.2367T>G, p.Asp789Glu (NM_001135040.3); c.2025T>G, p.Asp675Glu (NM_001135041.3, NM_023019.4); c.2316T>G, p.Asp772Glu (NM_001190836.2); c.2406T>G, p.Asp802Glu (NM_001190837.2); c.2376T>G, p.Asp792Glu (NM_001378991.1); c.2358T>G, p.Asp786Glu (NM_001378992.1); short protein forms D802E, D675E, D772E, D789E, D809E, D786E, D792E.
Identifiers: ClinVar variation 649696 (VCV000649696.10), dbSNP rs1573152954, ClinGen allele CA347347304.

ClinVar aggregate classification (germline): Uncertain significance. Review status: criteria provided, multiple submitters, no conflicts (2 of 4 stars). 2 submissions from 2 submitters: Uncertain significance (2). Last evaluated 2023-01-27.

Conditions:
Amyotrophic lateral sclerosis type 1 (ALS1). Also called: AMYOTROPHIC LATERAL SCLEROSIS 1, FAMILIAL. Identifiers: Orphanet 803, MedGen C1862939, MONDO:0007103, OMIM 105400.
Neuronopathy, distal hereditary motor, type 7B. Also called: NEURONOPATHY, DISTAL HEREDITARY MOTOR, AUTOSOMAL DOMINANT 14; NEURONOPATHY, DISTAL HEREDITARY MOTOR, HARDING TYPE VIIB; NEUROPATHY, DISTAL HEREDITARY MOTOR, HARDING TYPE VIIB; NEUROPATHY, DISTAL HEREDITARY MOTOR, WITH VOCAL CORD PARALYSIS, HARDING TYPE VIIB; Distal Hereditary Motor Neuronopathy Type 7B (dHMN7B); HMN VIIB. Identifiers: Orphanet 139589, MedGen C1843315, MONDO:0011879, OMIM 607641.
Perry syndrome. Also called: PARKINSONISM WITH ALVEOLAR HYPOVENTILATION AND MENTAL DEPRESSION. Identifiers: Orphanet 178509, MedGen C1868594, MONDO:0008201, OMIM 168605.

gnomAD v4.1: 2 of 1,614,250 alleles (0.00012%); highest among the groups gnomAD compares: South Asian, 0.0011%; no homozygotes.

Submissions (2):

Labcorp Genetics (formerly Invitae), Labcorp
Classification: Uncertain significance for Amyotrophic lateral sclerosis type 1; Neuronopathy, distal hereditary motor, type 7B; Perry syndrome. Last evaluated: 2023-01-27. Review status: criteria provided, single submitter. Criteria: Invitae Variant Classification Sherloc (09022015). Collection method: clinical testing. Allele origin: germline.
Comment: Advanced modeling of protein sequence and biophysical properties (such as structural, functional, and spatial information, amino acid conservation, physicochemical variation, residue mobility, and thermodynamic stability) performed at Invitae indicates that this missense variant is not expected to disrupt DCTN1 protein function. In summary, the available evidence is currently insufficient to determine the role of this variant in disease. Therefore, it has been classified as a Variant of Uncertain Significance. ClinVar contains an entry for this variant (Variation ID: 649696). This variant has not been reported in the literature in individuals affected with DCTN1-related conditions. This variant is not present in population databases (gnomAD no frequency). This sequence change replaces aspartic acid, which is acidic and polar, with glutamic acid, which is acidic and polar, at codon 809 of the DCTN1 protein (p.Asp809Glu).

GeneDx
Classification: Uncertain significance. Last evaluated: 2019-12-18. Review status: criteria provided, single submitter. Criteria: GeneDx Variant Classification Process June 2021. Collection method: clinical testing. Allele origin: germline. Affected: yes.
Comment: Not observed in large population cohorts (Lek et al., 2016); In silico analysis, which includes protein predictors and evolutionary conservation, supports that this variant does not alter protein structure/function; Has not been previously published as pathogenic or benign to our knowledge